The following is an entry in ClinVar:

ClinVar aggregate classification (germline): Uncertain significance (1 of 4 stars; one submission).

Submission:

GeneDx
Classification: Uncertain significance. Last evaluated: 2023-07-28. Review status: criteria provided, single submitter. Criteria: GeneDx Variant Classification Process June 2021. Collection method: clinical testing. Allele origin: germline. Affected: yes.
Comment: Not observed at significant frequency in large population cohorts (gnomAD); In silico analysis supports that this missense variant has a deleterious effect on protein structure/function; Has not been previously published as pathogenic or benign to our knowledge

NM_001130021.3(ATP6V0A1):c.1355T>G (p.Leu452Trp)

Gene: ATP6V0A1 (ATPase H+ transporting V0 subunit a1; plus strand). Cytogenetic location: 17q21.2.
Variant type: single nucleotide variant.
Coding change: c.1355T>G on transcript NM_001130021.3 (MANE Select); coding-DNA position 1355, T replaced by G.
Protein change: p.Leu452Trp; replaces leucine 452 with tryptophan.
Molecular consequence: missense variant. On other transcripts: intron variant (1).
Genome position (GRCh38, 1-based): chr17:42,495,074, T>G. VCF-style: chr17-42495074-T-G. GRCh37 (hg19) VCF-style: chr17-40647092-T-G.
Other names: c.1376T>G, p.Leu459Trp (NM_001130020.3, NM_001378522.1, NM_001378523.1 and 3 more transcripts); c.1478T>G, p.Leu493Trp (NM_001378530.1, NM_001378533.1, NM_001378551.1 and 1 more transcripts); c.1499T>G, p.Leu500Trp (NM_001378531.1, NM_001378532.1); c.1355T>G, p.Leu452Trp (NM_001378535.1, NM_001378537.1, NM_001378542.1 and 3 more transcripts); c.1247T>G, p.Leu416Trp (NM_001378536.1, NM_001378550.1, NM_001378556.1); c.1226T>G, p.Leu409Trp (NM_001378538.1, NM_001378540.1); c.1196T>G, p.Leu399Trp (NM_001378543.1); c.1145T>G, p.Leu382Trp (NM_001378545.1, NM_001378554.1); and 3 more; short protein forms L381W, L382W, L392W, L399W, L409W, L416W, L452W, L459W.
Identifiers: ClinVar variation 3361577 (VCV003361577.1).
Genomic context (GRCh38, chr17:42,495,074, plus strand): 5'-TTCTTTCTTCTGGTTCCCAGATGTTTAGCACTGTGTTCAGTGGTCGATACATTATTTTAT[T>G]GATGGGTGTGTTCTCCATGTACACTGGCCTCATCTACAATGATTGCTTTTCCAAGTCTCT-3'
Protein context (NP_001123493.1, residues 442-462): TVFSGRYIIL[Leu452Trp]MGVFSMYTGL